The following is an entry in ClinVar:

ClinVar aggregate classification (germline): Uncertain significance. Review status: criteria provided, multiple submitters, no conflicts (2 of 4 stars). 4 submissions from 4 submitters: Uncertain significance (4). Last evaluated 2024-09-11.

Conditions:
Early-onset Parkinson disease 20. Also called: PARKINSON DISEASE 20, AUTOSOMAL RECESSIVE EARLY-ONSET. Identifiers: Orphanet 391411, MedGen C3809824, MONDO:0014233, OMIM 615530.
Developmental and epileptic encephalopathy, 53. Also called: Epileptic encephalopathy, early infantile, 53. Identifiers: MedGen C4479313, MONDO:0033362, OMIM 617389.

Allele frequency attached by ClinVar (database versions not stated): gnomAD 0.00002 and 0.00004; TOPMed 0.00002; gnomAD exomes 0.00005 and 0.00008; ExAC 0.00053.
gnomAD v4.1: 71 of 1,499,640 alleles (0.0047%); highest among the groups gnomAD compares: Middle Eastern, 0.22%; no homozygotes.

Submissions (4):

GeneDx
Classification: Uncertain significance. Last evaluated: 2024-09-11. Review status: criteria provided, single submitter. Criteria: GeneDx Variant Classification Process June 2021. Collection method: clinical testing. Allele origin: germline. Affected: yes.
Comment: In silico analysis supports that this missense variant has a deleterious effect on protein structure/function; Has not been previously published as pathogenic or benign to our knowledge

Labcorp Genetics (formerly Invitae), Labcorp
Classification: Uncertain significance for Developmental and epileptic encephalopathy, 53; Early-onset Parkinson disease 20. Last evaluated: 2023-09-22. Review status: criteria provided, single submitter. Criteria: Invitae Variant Classification Sherloc (09022015). Collection method: clinical testing. Allele origin: germline.
Comment: This variant is present in population databases (rs765746949, gnomAD 0.07%). In summary, the available evidence is currently insufficient to determine the role of this variant in disease. Therefore, it has been classified as a Variant of Uncertain Significance. Advanced modeling of protein sequence and biophysical properties (such as structural, functional, and spatial information, amino acid conservation, physicochemical variation, residue mobility, and thermodynamic stability) performed at Invitae indicates that this missense variant is not expected to disrupt SYNJ1 protein function. ClinVar contains an entry for this variant (Variation ID: 846437). This variant has not been reported in the literature in individuals affected with SYNJ1-related conditions. This sequence change replaces proline, which is neutral and non-polar, with leucine, which is neutral and non-polar, at codon 1155 of the SYNJ1 protein (p.Pro1155Leu).

Revvity Omics, Revvity
Classification: Uncertain significance. Last evaluated: 2022-08-23. Review status: criteria provided, single submitter. Criteria: ACMG Guidelines, 2015. Collection method: clinical testing. Allele origin: germline.

Blueprint Genetics
Classification: Uncertain significance. Last evaluated: 2022-02-16. Review status: criteria provided, single submitter. Criteria: ACMG Guidelines, 2015. Collection method: clinical testing. Allele origin: germline.

NM_203446.3(SYNJ1):c.3347C>T (p.Pro1116Leu)

Gene: SYNJ1 (synaptojanin 1; minus strand). Cytogenetic location: 21q22.11.
Variant type: single nucleotide variant.
Coding change: c.3347C>T on transcript NM_203446.3 (MANE Select); coding-DNA position 3347, C replaced by T.
Protein change: p.Pro1116Leu; replaces proline 1116 with leucine.
Molecular consequence: missense variant.
Genome position (GRCh38, 1-based): chr21:32,645,690, G>A on the plus strand (C>T on the coding strand, the complement: SYNJ1 is on the minus strand). VCF-style: chr21-32645690-G-A. GRCh37 (hg19) VCF-style: chr21-34018000-G-A.
Other names: c.3464C>T, p.Pro1155Leu (NM_003895.4); c.3332C>T, p.Pro1111Leu (NM_001160306.2); c.3347C>T, p.Pro1116Leu (NM_001160302.2); short protein forms P1111L, P1155L, P1116L.
Identifiers: ClinVar variation 846437 (VCV000846437.11), dbSNP rs765746949, ClinGen allele CA10003444.